The following is an entry in ClinVar:

NM_000135.4(FANCA):c.560_561insGAGT (p.Gln188fs)

Gene: FANCA (FA complementation group A; minus strand). Cytogenetic location: 16q24.3.
Variant type: Insertion.
Coding change: c.560_561insGAGT on transcript NM_000135.4 (MANE Select); coding-DNA positions 560 to 561, GAGT inserted.
Protein change: p.Gln188fs; shifts the reading frame from glutamine 188.
Molecular consequence: frameshift variant.
Genome position: GRCh38 VCF-style: chr16-89808329-T-TACTC. GRCh37 (hg19) VCF-style: chr16-89874737-T-TACTC.
Other names: c.560_561insGAGT, p.Gln188fs (NM_001018112.3, NM_001286167.3); c.464_465insGAGT, p.Gln156fs (NM_001351830.2); short protein forms Q156fs, Q188fs.
Identifiers: ClinVar variation 1179127 (VCV001179127.2), dbSNP rs2143657184, ClinGen allele CA2499223880.

ClinVar aggregate classification (germline): Pathogenic (1 of 4 stars; one submission).

Conditions:
Fanconi anemia complementation group A (FANCA). Also called: FANCA-Related Fanconi Anemia; Fanconi anemia, group A. Identifiers: Orphanet 84, MedGen C3469521, MONDO:0009215, OMIM 227650.

Submission:

Fulgent Genetics
Classification: Pathogenic for Fanconi anemia complementation group A. Last evaluated: 2021-06-30. Review status: criteria provided, single submitter. Criteria: ACMG Guidelines, 2015. Collection method: clinical testing. Allele origin: unknown.
Comment: This variant has been detected in individual(s) who were sent for testing of Renasight - kidney gene panel.